The following is an entry in ClinVar:

ClinVar aggregate classification (germline): Likely pathogenic (1 of 4 stars; one submission).

Conditions:
Ornithine carbamoyltransferase deficiency (OTCD). Also called: ORNITHINE TRANSCARBAMYLASE DEFICIENCY; ORNITHINE TRANSCARBAMYLASE DEFICIENCY, HYPERAMMONEMIA DUE TO; OTC DEFICIENCY; Ornithine Carbamoyltransferase Deficiency Disease. Identifiers: Orphanet 664, MedGen C0268542, MONDO:0010703, OMIM 311250.

Submission:

Myriad Genetics, Inc.
Classification: Likely pathogenic for Ornithine carbamoyltransferase deficiency. Last evaluated: 2022-02-17. Review status: criteria provided, single submitter. Criteria: Myriad Women's Health Autosomal Recessive and X-Linked Classification Criteria (2021). Collection method: clinical testing. Allele origin: unknown.
Comment: NM_000531.5(OTC):c.826A>T(K276*) is expected to be pathogenic in the context of ornithine transcarbamylase deficiency. This variant is predicted to lead to an abnormal or absent protein product due to the creation of a premature termination codon in OTC, a gene where loss-of-function variants are known to be pathogenic. Please note: this variant was assessed in the context of healthy population screening.

NM_000531.6(OTC):c.826A>T (p.Lys276Ter)

Gene: OTC (ornithine transcarbamylase; plus strand). Cytogenetic location: Xp11.4.
Variant type: single nucleotide variant.
Coding change: c.826A>T on transcript NM_000531.6 (MANE Select); coding-DNA position 826, A replaced by T.
Protein change: p.Lys276Ter; replaces lysine 276 with a stop codon.
Molecular consequence: nonsense.
Genome position (GRCh38, 1-based): chrX:38,408,984, A>T. VCF-style: chrX-38408984-A-T. GRCh37 (hg19) VCF-style: chrX-38268237-A-T.
Other names: c.826A>T, p.Lys276Ter (NM_001407092.1); short protein forms K276*.
Identifiers: ClinVar variation 1724440 (VCV001724440.2), dbSNP rs2519979325, ClinGen allele CA412723426.